The following is an entry in ClinVar:

NM_003480.4(MFAP5):c.94+169T>C

Gene: MFAP5 (microfibril associated protein 5; minus strand). Cytogenetic location: 12p13.31.
Variant type: single nucleotide variant.
Coding change: c.94+169T>C on transcript NM_003480.4 (MANE Select); 169 bases into the intron after coding-DNA position 94, T replaced by C.
Molecular consequence: intron variant.
Genome position (GRCh38, 1-based): chr12:8,660,694, A>G on the plus strand (T>C on the coding strand, the complement: MFAP5 is on the minus strand). VCF-style: chr12-8660694-A-G. GRCh37 (hg19) VCF-style: chr12-8813290-A-G.
Other names: c.58+1353T>C (NM_001297710.2); c.94+169T>C (NM_001297711.2, NM_001297712.2, NM_001297709.2).
Identifiers: ClinVar variation 679099 (VCV000679099.2), dbSNP rs111702709, ClinGen allele CA232307054.

ClinVar aggregate classification (germline): Benign. Review status: criteria provided, multiple submitters, no conflicts (2 of 4 stars). 2 submissions from 2 submitters: Benign (2). Last evaluated 2018-06-14.

Allele frequency attached by ClinVar (database versions not stated): 1000 Genomes Project 0.03175; gnomAD 0.03245 and 0.03494; 1000 Genomes Project 30x 0.03248; TOPMed 0.03685.
gnomAD v4.1: 4,886 of 152,100 alleles (3.2%); highest among the groups gnomAD compares: African/African-American, 11%; 274 homozygotes.

Submissions (2):

GeneDx
Classification: Benign. Last evaluated: 2018-06-14. Review status: criteria provided, single submitter. Criteria: GeneDx Variant Classification (06012015). Collection method: clinical testing. Allele origin: germline. Affected: yes.
Comment: This variant is considered likely benign or benign based on one or more of the following criteria: it is a conservative change, it occurs at a poorly conserved position in the protein, it is predicted to be benign by multiple in silico algorithms, and/or has population frequency not consistent with disease.

Breakthrough Genomics
Classification: Benign. Review status: criteria provided, single submitter. Criteria: ACMG Guidelines, 2015. Collection method: not provided. Allele origin: germline. Inheritance: Autosomal dominant inheritance. Affected: yes.